The following is an entry in ClinVar:

ClinVar aggregate classification (germline): Uncertain significance (1 of 4 stars; one submission).

Submission:

Labcorp Genetics (formerly Invitae), Labcorp
Classification: Uncertain significance. Last evaluated: 2019-10-16. Review status: criteria provided, single submitter. Criteria: Invitae Variant Classification Sherloc (09022015). Collection method: clinical testing. Allele origin: germline.
Comment: This variant has not been reported in the literature in individuals with PHEX-related conditions. In summary, the available evidence is currently insufficient to determine the role of this variant in disease. Therefore, it has been classified as a Variant of Uncertain Significance. Algorithms developed to predict the effect of sequence changes on RNA splicing suggest that this variant is not likely to affect RNA splicing, but this prediction has not been confirmed by published transcriptional studies. This variant is not present in population databases (ExAC no frequency). This sequence change falls in intron 8 of the PHEX gene. It does not directly change the encoded amino acid sequence of the PHEX protein.

NM_000444.6(PHEX):c.934-16_934-12delinsCTACCTAACTGAGAT

Gene: PHEX (phosphate regulating endopeptidase X-linked; plus strand). Cytogenetic location: Xp22.11.
Variant type: Indel.
Coding change: c.934-16_934-12delinsCTACCTAACTGAGAT on transcript NM_000444.6 (MANE Select); 16 bases into the intron before coding-DNA position 934 through 12 bases into the intron before coding-DNA position 934, TTCTC replaced by CTACCTAACTGAGAT.
Molecular consequence: intron variant.
Genome position (GRCh38, 1-based): chrX:22,098,990-22,098,994, TTCTC replaced by CTACCTAACTGAGAT. VCF-style: chrX-22098990-TTCTC-CTACCTAACTGAGAT. GRCh37 (hg19) VCF-style: chrX-22117108-TTCTC-CTACCTAACTGAGAT.
Other names: c.934-16_934-12delinsCTACCTAACTGAGAT (NM_001282754.2).
Identifiers: ClinVar variation 940104 (VCV000940104.8), dbSNP rs1930289987, ClinGen allele CA1139667288.